The following is an entry in ClinVar:

ClinVar aggregate classification (germline): Uncertain significance (1 of 4 stars; one submission).

Conditions:
Developmental and epileptic encephalopathy, 34 (DEE34). Also called: Early infantile epileptic encephalopathy 34; SLC12A5-Related Epilepsy of Infancy with Migrating Focal Seizures. Identifiers: Orphanet 293181, MedGen C4225257, MONDO:0014718, OMIM 616645.

Allele frequency attached by ClinVar (database versions not stated): gnomAD exomes below 0.00001; TOPMed below 0.00001; ExAC 0.00001; gnomAD 0.00001.
gnomAD v4.1: 2 of 1,614,066 alleles (0.00012%); highest among the groups gnomAD compares: Admixed American, 0.0033%; no homozygotes.

Submission:

Labcorp Genetics (formerly Invitae), Labcorp
Classification: Uncertain significance for Developmental and epileptic encephalopathy, 34. Last evaluated: 2022-01-05. Review status: criteria provided, single submitter. Criteria: Invitae Variant Classification Sherloc (09022015). Collection method: clinical testing. Allele origin: germline.
Comment: In summary, the available evidence is currently insufficient to determine the role of this variant in disease. Therefore, it has been classified as a Variant of Uncertain Significance. Advanced modeling of protein sequence and biophysical properties (such as structural, functional, and spatial information, amino acid conservation, physicochemical variation, residue mobility, and thermodynamic stability) performed at Invitae indicates that this missense variant is not expected to disrupt SLC12A5 protein function. This variant has not been reported in the literature in individuals affected with SLC12A5-related conditions. This variant is present in population databases (rs753504476, gnomAD 0.003%). This sequence change replaces lysine, which is basic and polar, with threonine, which is neutral and polar, at codon 944 of the SLC12A5 protein (p.Lys944Thr).

NM_020708.5(SLC12A5):c.2831A>C (p.Lys944Thr)

Gene: SLC12A5 (solute carrier family 12 member 5; plus strand). Cytogenetic location: 20q13.12.
Variant type: single nucleotide variant.
Coding change: c.2831A>C on transcript NM_020708.5 (MANE Select); coding-DNA position 2831, A replaced by C.
Protein change: p.Lys944Thr; replaces lysine 944 with threonine.
Molecular consequence: missense variant.
Genome position (GRCh38, 1-based): chr20:46,056,193, A>C. VCF-style: chr20-46056193-A-C. GRCh37 (hg19) VCF-style: chr20-44684832-A-C.
Other names: c.2900A>C, p.Lys967Thr (NM_001134771.2); short protein forms K944T, K967T.
Identifiers: ClinVar variation 1927747 (VCV001927747.5), dbSNP rs753504476, ClinGen allele CA9887716.
Genomic context (GRCh38, chr20:46,056,193, plus strand): 5'-CCTATGTCACTCCCTAGATCCAGAGTATCACAGATGAGTCACGAGGCTCAATCCGGAGAA[A>C]GAATCCAGCCAACACGCGGCTCCGCCTGAACGTCCCAGAAGAGACGGCTGGTGACAGTGA-3'
Protein context (NP_065759.1, residues 934-954): TDESRGSIRR[Lys944Thr]NPANTRLRLN